The following is an entry in ClinVar:

ClinVar aggregate classification (germline): Uncertain significance (1 of 4 stars; one submission).

Conditions:
PTPRQ-related disorder. Also called: PTPRQ-related condition.

gnomAD v4.1: 178 of 1,549,784 alleles (0.011%); highest among the groups gnomAD compares: Non-Finnish European, 0.014%; no homozygotes.

Submission:

PreventionGenetics, part of Exact Sciences
Classification: Uncertain significance for PTPRQ-related condition. Last evaluated: 2025-11-06. Review status: criteria provided, single submitter. Criteria: ACMG Guidelines, 2015. Collection method: clinical testing. Allele origin: germline.
Comment: The PTPRQ c.6389T>C variant is predicted to result in the amino acid substitution p.Val2130Ala. To our knowledge, this variant has not been reported in the literature. This variant is reported in 0.0080% of alleles in individuals of European (Non-Finnish) descent in gnomAD. At this time, the clinical significance of this variant is uncertain due to the absence of conclusive functional and genetic evidence.

NM_001145026.2(PTPRQ):c.6389T>C (p.Val2130Ala)

Gene: PTPRQ (protein tyrosine phosphatase receptor type Q; plus strand). Cytogenetic location: 12q21.31.
Variant type: single nucleotide variant.
Coding change: c.6389T>C on transcript NM_001145026.2 (MANE Select); coding-DNA position 6389, T replaced by C.
Protein change: p.Val2130Ala; replaces valine 2130 with alanine.
Molecular consequence: missense variant.
Genome position (GRCh38, 1-based): chr12:80,669,400, T>C. VCF-style: chr12-80669400-T-C. GRCh37 (hg19) VCF-style: chr12-81063179-T-C.
Other names: short protein forms V2130A.
Identifiers: ClinVar variation 4985923 (VCV004985923.1).